The following is an entry in ClinVar:

ClinVar aggregate classification (germline): Uncertain significance (1 of 4 stars; one submission).

Conditions:
Hypertrophic cardiomyopathy. Also called: HYPERTROPHIC MYOCARDIOPATHY. Identifiers: Orphanet 217569, MedGen C0007194, MeSH D002312, MONDO:0005045, HP:0001639.

Submission:

Labcorp Genetics (formerly Invitae), Labcorp
Classification: Uncertain significance for Hypertrophic cardiomyopathy. Last evaluated: 2025-11-21. Review status: criteria provided, single submitter. Criteria: Invitae Variant Classification Sherloc (09022015). Collection method: clinical testing. Allele origin: germline.
Comment: This sequence change replaces glutamic acid, which is acidic and polar, with lysine, which is basic and polar, at codon 1821 of the MYH7 protein (p.Glu1821Lys). This variant is not present in population databases (gnomAD no frequency). This variant has not been reported in the literature in individuals affected with MYH7-related conditions. ClinVar contains an entry for this variant (Variation ID: 3688143). Invitae Evidence Modeling of protein sequence and biophysical properties (such as structural, functional, and spatial information, amino acid conservation, physicochemical variation, residue mobility, and thermodynamic stability) indicates that this missense variant is expected to disrupt MYH7 protein function with a positive predictive value of 95%. In summary, the available evidence is currently insufficient to determine the role of this variant in disease. Therefore, it has been classified as a Variant of Uncertain Significance.

NM_000257.4(MYH7):c.5461G>A (p.Glu1821Lys)

Gene: MYH7 (myosin heavy chain 7; minus strand). Cytogenetic location: 14q11.2.
Variant type: single nucleotide variant.
Coding change: c.5461G>A on transcript NM_000257.4 (MANE Select); coding-DNA position 5461, G replaced by A.
Protein change: p.Glu1821Lys; replaces glutamic acid 1821 with lysine.
Molecular consequence: missense variant.
Genome position (GRCh38, 1-based): chr14:23,415,093, C>T on the plus strand (G>A on the coding strand, the complement: MYH7 is on the minus strand). VCF-style: chr14-23415093-C-T. GRCh37 (hg19) VCF-style: chr14-23884302-C-T.
Other names: c.5461G>A, p.Glu1821Lys (NM_001407004.1); short protein forms E1821K.
Identifiers: ClinVar variation 3688143 (VCV003688143.2).